The following is an entry in ClinVar:

NM_001754.5(RUNX1):c.400_404del (p.Ala134fs)

Genes: RUNX1 (RUNX family transcription factor 1; minus strand), RUNX1-AS1 (RUNX1 antisense RNA 1; plus strand). Cytogenetic location: 21q22.12.
Variant type: Deletion.
Coding change: c.400_404del on transcript NM_001754.5 (MANE Select); coding-DNA positions 400 to 404, 5 bases deleted (GCTGG; older notation c.400_404delGCTGG).
Protein change: p.Ala134fs; shifts the reading frame from alanine 134.
Molecular consequence: frameshift variant.
Genome position (GRCh38, 1-based): chr21:34,880,661-34,880,665, CCAGC deleted on the plus strand (GCTGG on the coding strand, the reverse complement: RUNX1 is on the minus strand); deleting any 5 consecutive bases within chr21:34,880,661-34,880,666 gives the same sequence; the c. name uses the placement nearest the transcript's 3' end. VCF-style (leftmost placement, unchanged base first): chr21-34880660-GCCAGC-G. GRCh37 (hg19) VCF-style: chr21-36252957-GCCAGC-G.
Other names: NM_001754.5(RUNX1):c.400_404del; p.Ala134fs; c.319_323del, p.Ala107fs (NM_001001890.3, NM_001122607.2); short protein forms A107fs, A134fs.
Identifiers: ClinVar variation 3663825 (VCV003663825.3).
Genomic context (GRCh38, chr21:34,880,660, plus strand): 5'-AACCTGGTTCTTCATGGCTGCGGTAGCATTTCTCAGCTCAGCCGAGTAGTTTTCATCATT[GCCAGC>G]CATCACAGTGACCAGAGTGCCATCTGGAACATCCCCTAGGGCCACCACCTAAACACCAGT-3'

ClinVar aggregate classification (germline): Pathogenic. Review status: reviewed by expert panel (3 of 4 stars). 2 submissions from 2 submitters: Pathogenic (1). 1 of the submissions does not count toward it. Last evaluated 2025-05-02.

Conditions:
Hereditary thrombocytopenia and hematologic cancer predisposition syndrome. Identifiers: Orphanet 71290, MedGen CN281654, MONDO:0011071.
Hereditary thrombocytopenia and hematological cancer predisposition syndrome associated with RUNX1. Also called: Familial Platelet Disorder with Propensity to Acute Myelogenous Leukemia; Familial thrombocytopenia with propensity to acute myelogenous leukemia; PLATELET DISORDER, ASPIRIN-LIKE; RUNX1 Familial Platelet Disorder with Associated Myeloid Malignancies. Identifiers: Orphanet 71290, MedGen C1832388, MeSH C563324, MONDO:0100083, OMIM 601399.

Submissions (2):

ClinGen Myeloid Malignancy Variant Curation Expert Panel
Classification: Pathogenic for Hereditary thrombocytopenia and hematologic cancer predisposition syndrome. Last evaluated: 2025-05-02. Review status: reviewed by expert panel. Criteria: ClinGen MyeloMalig ACMG Specifications v2. Collection method: curation. Allele origin: germline. Inheritance: Autosomal dominant inheritance.
Comment: NM_001754.5(RUNX1):c.400_404del (p.Ala134fs) is a frameshift variant which is predicted to undergo nonsense-mediated decay in a gene in which loss-of-function is an established mechanism (frameshift (+) c.98–c.779 as per VCEP specifications) (PVS1). This variant is completely absent from all population databases with at least 20x coverage for RUNX1 (PM2_Supporting). This variant is downstream of c.98 (PM5_Supporting). In summary, this variant meets criteria to be classified as pathogenic. ACMG/AMP criteria applied, as specified by the Myeloid Malignancy Variant Curation Expert Panel for RUNX1: PVS1, PM2_Supporting, PM5_Supporting.

Labcorp Genetics (formerly Invitae), Labcorp
Classification: Pathogenic for Hereditary thrombocytopenia and hematological cancer predisposition syndrome associated with RUNX1. Last evaluated: 2024-08-28. Review status: criteria provided, single submitter. Criteria: Invitae Variant Classification Sherloc (09022015). Collection method: clinical testing. Allele origin: germline. Not counted in ClinVar's aggregate classification.
Comment: This sequence change creates a premature translational stop signal (p.Ala134Glnfs*2) in the RUNX1 gene. It is expected to result in an absent or disrupted protein product. Loss-of-function variants in RUNX1 are known to be pathogenic (PMID: 18723428, 24100448). This variant is not present in population databases (gnomAD no frequency). This variant has not been reported in the literature in individuals affected with RUNX1-related conditions. For these reasons, this variant has been classified as Pathogenic.

Literature cited by the submitters: PubMed 18723428 (cited by Labcorp Genetics (formerly Invitae), Labcorp); PubMed 24100448 (cited by Labcorp Genetics (formerly Invitae), Labcorp).